The following is an entry in ClinVar:

NM_000059.4(BRCA2):c.1311_1314del (p.Lys437fs)

Gene: BRCA2 (BRCA2 DNA repair associated; plus strand). Cytogenetic location: 13q13.1.
Variant type: Deletion.
Coding change: c.1311_1314del on transcript NM_000059.4 (MANE Select); coding-DNA positions 1311 to 1314, 4 bases deleted (AGAT; older notation c.1311_1314delAGAT).
Protein change: p.Lys437fs; shifts the reading frame from lysine 437.
Molecular consequence: frameshift variant.
Genome position (GRCh38, 1-based): chr13:32,332,789-32,332,792, AGAT deleted. VCF-style (leftmost placement, unchanged base first): chr13-32332788-AAGAT-A. GRCh37 (hg19) VCF-style: chr13-32906925-AAGAT-A.
Other names: c.1311_1314delAGAT (NM_000059.3); short protein forms K437fs.
Identifiers: ClinVar variation 254491 (VCV000254491.2), dbSNP rs886038065, ClinGen allele CA10586494.

ClinVar aggregate classification (germline): Pathogenic (3 of 4 stars; one submission).

Conditions:
Breast-ovarian cancer, familial, susceptibility to, 2 (BROVCA2). Also called: BRCA2 Hereditary Breast and Ovarian Cancer. Identifiers: Orphanet 145, MedGen C2675520, MONDO:0012933, OMIM 612555. Disease mechanism: loss of function.

Submission:

Evidence-based Network for the Interpretation of Germline Mutant Alleles (ENIGMA)
Classification: Pathogenic for Breast-ovarian cancer, familial, susceptibility to, 2. Last evaluated: 2016-09-08. Review status: reviewed by expert panel. Criteria: ENIGMA BRCA1/2 Classification Criteria (2015). Collection method: curation. Allele origin: germline.
Comment: Variant allele predicted to encode a truncated non-functional protein.